The following is an entry in ClinVar:

NM_006939.4(SOS2):c.345+3A>G

Gene: SOS2 (SOS Ras/Rho guanine nucleotide exchange factor 2; minus strand). Cytogenetic location: 14q21.3.
Variant type: single nucleotide variant.
Coding change: c.345+3A>G on transcript NM_006939.4 (MANE Select); 3 bases into the intron after coding-DNA position 345, A replaced by G.
Molecular consequence: intron variant.
Genome position (GRCh38, 1-based): chr14:50,200,950, T>C on the plus strand (A>G on the coding strand, the complement: SOS2 is on the minus strand). VCF-style: chr14-50200950-T-C. GRCh37 (hg19) VCF-style: chr14-50667668-T-C.
Other names: c.345+3A>G (NM_001411020.1).
Identifiers: ClinVar variation 2999026 (VCV002999026.3), dbSNP rs1423200771, ClinGen allele CA613839896.
Genomic context (GRCh38, chr14:50,200,950, plus strand): 5'-ATAGAAATAAAATATTACTTGTTATAAAGAACACCCCCCAACTAATGTTTAATCTTTTGT[T>C]ACCTTCAACGAAGGATGGATTTTGTCCACAGGCAGTAAAAGAGGATTTCTTCGTTTTCGT-3'

ClinVar aggregate classification (germline): Uncertain significance (1 of 4 stars; one submission).

Conditions:
Noonan syndrome 9 (NS9). Identifiers: Orphanet 648, MedGen C4225282, MONDO:0014691, OMIM 616559.

Allele frequency attached by ClinVar (database versions not stated): TOPMed below 0.00001; gnomAD 0.00001; gnomAD exomes 0.00001.
gnomAD v4.1: 6 of 1,613,342 alleles (0.00037%); highest among the groups gnomAD compares: Non-Finnish European, 0.00051%; no homozygotes.

Submission:

Labcorp Genetics (formerly Invitae), Labcorp
Classification: Uncertain significance for Noonan syndrome 9. Last evaluated: 2024-03-16. Review status: criteria provided, single submitter. Criteria: Invitae Variant Classification Sherloc (09022015). Collection method: clinical testing. Allele origin: germline.
Comment: This sequence change falls in intron 3 of the SOS2 gene. It does not directly change the encoded amino acid sequence of the SOS2 protein. It affects a nucleotide within the consensus splice site. This variant is present in population databases (no rsID available, gnomAD 0.002%). This variant has not been reported in the literature in individuals affected with SOS2-related conditions. Variants that disrupt the consensus splice site are a relatively common cause of aberrant splicing (PMID: 17576681, 9536098). Algorithms developed to predict the effect of sequence changes on RNA splicing suggest that this variant is not likely to affect RNA splicing. In summary, the available evidence is currently insufficient to determine the role of this variant in disease. Therefore, it has been classified as a Variant of Uncertain Significance.

Literature cited by the submitters: PubMed 17576681; PubMed 9536098.